The following is an entry in ClinVar:

NM_017763.6(RNF43):c.172A>G (p.Thr58Ala)

Gene: RNF43 (ring finger protein 43; minus strand). Cytogenetic location: 17q22.
Variant type: single nucleotide variant.
Coding change: c.172A>G on transcript NM_017763.6 (MANE Select); coding-DNA position 172, A replaced by G.
Protein change: p.Thr58Ala; replaces threonine 58 with alanine.
Molecular consequence: missense variant.
Genome position (GRCh38, 1-based): chr17:58,415,406, T>C on the plus strand (A>G on the coding strand, the complement: RNF43 is on the minus strand). VCF-style: chr17-58415406-T-C. GRCh37 (hg19) VCF-style: chr17-56492767-T-C.
Other names: c.172A>G (NM_017763.4); c.172A>G, p.Thr58Ala (NM_001305544.3); short protein forms T58A.
Identifiers: ClinVar variation 939191 (VCV000939191.22), dbSNP rs142864107, ClinGen allele CA8673503.

ClinVar aggregate classification (germline): Uncertain significance. Review status: criteria provided, multiple submitters, no conflicts (2 of 4 stars). 6 submissions from 6 submitters: Uncertain significance (6). Last evaluated 2025-12-29.

Conditions:
Sessile serrated polyposis cancer syndrome (SSPCS). Identifiers: Orphanet 157798, MedGen C4310714, MONDO:0014919, OMIM 617108.

Allele frequency attached by ClinVar (database versions not stated): TOPMed 0.00010; ESP Exome Variant Server 0.00015; 1000 Genomes Project 30x 0.00031.
gnomAD v4.1: 133 of 1,614,192 alleles (0.0082%); highest among the groups gnomAD compares: Admixed American, 0.035%; no homozygotes.

Submissions (6):

Center for Genomic Medicine, Rigshospitalet, Copenhagen University Hospital
Classification: Uncertain significance. Last evaluated: 2025-12-29. Review status: criteria provided, single submitter. Criteria: ACMG Guidelines, 2015. Collection method: clinical testing. Allele origin: germline.

Labcorp Genetics (formerly Invitae), Labcorp
Classification: Uncertain significance. Last evaluated: 2025-12-16. Review status: criteria provided, single submitter. Criteria: Invitae Variant Classification Sherloc (09022015). Collection method: clinical testing. Allele origin: germline.
Comment: This sequence change replaces threonine, which is neutral and polar, with alanine, which is neutral and non-polar, at codon 58 of the RNF43 protein (p.Thr58Ala). This variant is present in population databases (rs142864107, gnomAD 0.03%), and has an allele count higher than expected for a pathogenic variant. This variant has not been reported in the literature in individuals affected with RNF43-related conditions. ClinVar contains an entry for this variant (Variation ID: 939191). An algorithm developed to predict the effect of missense changes on protein structure and function (PolyPhen-2) suggests that this variant is likely to be disruptive. In summary, the available evidence is currently insufficient to determine the role of this variant in disease. Therefore, it has been classified as a Variant of Uncertain Significance.

Ambry Genetics
Classification: Uncertain significance. Last evaluated: 2024-07-30. Review status: criteria provided, single submitter. Criteria: Ambry Variant Classification Scheme 2023. Collection method: clinical testing. Allele origin: germline.
Comment: The p.T58A variant (also known as c.172A>G), located in coding exon 1 of the RNF43 gene, results from an A to G substitution at nucleotide position 172. The threonine at codon 58 is replaced by alanine, an amino acid with similar properties. This amino acid position is not well conserved in available vertebrate species. In addition, this alteration is predicted to be tolerated by in silico analysis. Based on the available evidence, the clinical significance of this variant remains unclear.

GeneDx
Classification: Uncertain significance. Last evaluated: 2024-05-05. Review status: criteria provided, single submitter. Criteria: GeneDx Variant Classification Process June 2021. Collection method: clinical testing. Allele origin: germline. Affected: yes.
Comment: In silico analysis indicates that this missense variant does not alter protein structure/function; Observed in individuals with breast cancer (PMID: 34646395); This variant is associated with the following publications: (PMID: 34646395)

Baylor Genetics
Classification: Uncertain significance for Sessile serrated polyposis cancer syndrome. Last evaluated: 2024-03-29. Review status: criteria provided, single submitter. Criteria: ACMG Guidelines, 2015. Collection method: clinical testing. Allele origin: unknown.

Breakthrough Genomics
Classification: Uncertain significance. Review status: criteria provided, single submitter. Criteria: ACMG Guidelines, 2015. Collection method: not provided. Allele origin: germline. Inheritance: Autosomal dominant inheritance. Affected: yes.